The following is an entry in ClinVar:

NM_000199.5(SGSH):c.303C>A (p.Phe101Leu)

Gene: SGSH (N-sulfoglucosamine sulfohydrolase; minus strand). Cytogenetic location: 17q25.3.
Variant type: single nucleotide variant.
Coding change: c.303C>A on transcript NM_000199.5 (MANE Select); coding-DNA position 303, C replaced by A.
Protein change: p.Phe101Leu; replaces phenylalanine 101 with leucine.
Molecular consequence: missense variant.
Genome position (GRCh38, 1-based): chr17:80,215,085, G>T on the plus strand (C>A on the coding strand, the complement: SGSH is on the minus strand). VCF-style: chr17-80215085-G-T. GRCh37 (hg19) VCF-style: chr17-78188884-G-T.
Other names: c.303C>A, p.Phe101Leu (NM_001352921.3, NM_001352922.2); short protein forms F101L.
Identifiers: ClinVar variation 1455207 (VCV001455207.6), dbSNP rs150482611, ClinGen allele CA401363767.

ClinVar aggregate classification (germline): Pathogenic (1 of 4 stars; one submission).

Conditions:
Mucopolysaccharidosis, MPS-III-A (MPS3A). Also called: HEPARAN SULFATE SULFATASE DEFICIENCY; SANFILIPPO SYNDROME A; SULFAMIDASE DEFICIENCY; MPS III A; MPS IIIA (Sanfilippo Syndrome Type A); Mucopolysaccharidosis type IIIA (Sanfilippo A). Identifiers: Orphanet 581, Orphanet 79269, MedGen C0086647, MONDO:0009655, OMIM 252900.

gnomAD v4.1: 1 of 1,612,320 alleles (0.000062%); highest among the groups gnomAD compares: East Asian, 0.0022%; no homozygotes.

Submission:

Labcorp Genetics (formerly Invitae), Labcorp
Classification: Pathogenic for Mucopolysaccharidosis, MPS-III-A. Last evaluated: 2022-11-08. Review status: criteria provided, single submitter. Criteria: Invitae Variant Classification Sherloc (09022015). Collection method: clinical testing. Allele origin: germline.
Comment: For these reasons, this variant has been classified as Pathogenic. This variant disrupts the p.Phe101 amino acid residue in SGSH. Other variant(s) that disrupt this residue have been determined to be pathogenic (PMID: 28283807). This suggests that this residue is clinically significant, and that variants that disrupt this residue are likely to be disease-causing. Algorithms developed to predict the effect of missense changes on protein structure and function (SIFT, PolyPhen-2, Align-GVGD) all suggest that this variant is likely to be tolerated. ClinVar contains an entry for this variant (Variation ID: 1455207). A different variant (c.301T>C) giving rise to the same protein effect has been determined to be pathogenic (Invitae). This suggests that this variant is also likely to be causative of disease. This variant is not present in population databases (gnomAD no frequency). This sequence change replaces phenylalanine, which is neutral and non-polar, with leucine, which is neutral and non-polar, at codon 101 of the SGSH protein (p.Phe101Leu).

Literature cited by the submitters: PubMed 28283807.